The following is an entry in ClinVar:

NM_001318525.2(TRAPPC2L):c.*1G>A

Gene: TRAPPC2L (trafficking protein particle complex subunit 2L; plus strand). Cytogenetic location: 16q24.3.
Variant type: single nucleotide variant.
Coding change: c.*1G>A on transcript NM_001318525.2 (MANE Select); 1 bases downstream of the stop codon, G replaced by A.
Molecular consequence: 3 prime UTR variant. On other transcripts: non-coding transcript variant (2).
Genome position (GRCh38, 1-based): chr16:88,860,960, G>A. VCF-style: chr16-88860960-G-A. GRCh37 (hg19) VCF-style: chr16-88927368-G-A.
Other names: c.*1G>A (NM_001318524.2, NM_001318526.2, NM_001318527.2 and 5 more transcripts).
Identifiers: ClinVar variation 3035530 (VCV003035530.2), dbSNP rs1467887329, ClinGen allele CA624209886.
Genomic context (GRCh38, chr16:88,860,960, plus strand): 5'-GTTTCTCTTAGCAGGGCCTTTGATAACATGGTGACGTCGATGATGATACAGGTGTGCTGA[G>A]TGAGCTGTGCTGCCAGCCATCGCAGAGGAGCCCGCGCACGACTGTGGTGGGGCCGTCGGT-3'

ClinVar aggregate classification (germline): Likely benign (0 of 4 stars; one submission).

Conditions:
TRAPPC2L-related disorder. Also called: TRAPPC2L-related condition.

Allele frequency attached by ClinVar (database versions not stated): gnomAD exomes 0.00001.
gnomAD v4.1: 8 of 1,587,562 alleles (0.0005%); highest among the groups gnomAD compares: East Asian, 0.0045%; no homozygotes.

Submission:

PreventionGenetics, part of Exact Sciences
Classification: Likely benign for TRAPPC2L-related condition. Last evaluated: 2019-08-12. Review status: no assertion criteria provided. Collection method: clinical testing. Allele origin: germline.
Comment: This variant is classified as likely benign based on ACMG/AMP sequence variant interpretation guidelines (Richards et al. 2015 PMID: 25741868, with internal and published modifications).